The following is an entry in ClinVar:

ClinVar aggregate classification (germline): Likely benign. Review status: criteria provided, single submitter (1 of 4 stars). 3 submissions from 3 submitters: Likely benign (1). 2 of the submissions do not count toward it. Last evaluated 2025-11-15.

Conditions:
Ellis-van Creveld syndrome (EVC). Also called: Chondroectodermal dysplasia; MESOECTODERMAL DYSPLASIA. Identifiers: Orphanet 289, MedGen C0013903, MONDO:0009162, OMIM 225500.
EVC-related disorder. Also called: EVC-related disorders; EVC-related condition.
Curry-Hall syndrome (WAD). Also called: WEYERS ACRODENTAL DYSOSTOSIS. Identifiers: Orphanet 952, MedGen C0457013, MONDO:0008673, OMIM 193530.

Allele frequency attached by ClinVar (database versions not stated): gnomAD exomes 0.00006 and 0.00015; gnomAD 0.00011; ExAC 0.00012; 1000 Genomes Project 0.00020; TOPMed 0.00022; 1000 Genomes Project 30x 0.00031.
gnomAD v4.1: 107 of 1,614,036 alleles (0.0066%); highest among the groups gnomAD compares: Admixed American, 0.065%; no homozygotes.

Submissions (3):

Labcorp Genetics (formerly Invitae), Labcorp
Classification: Likely benign for Curry-Hall syndrome; Ellis-van Creveld syndrome. Last evaluated: 2025-11-15. Review status: criteria provided, single submitter. Criteria: Invitae Variant Classification Sherloc (09022015). Collection method: clinical testing. Allele origin: germline.

PreventionGenetics, part of Exact Sciences
Classification: Likely benign for EVC-related condition. Last evaluated: 2020-04-20. Review status: no assertion criteria provided. Collection method: clinical testing. Allele origin: germline. Not counted in ClinVar's aggregate classification.
Comment: This variant is classified as likely benign based on ACMG/AMP sequence variant interpretation guidelines (Richards et al. 2015 PMID: 25741868, with internal and published modifications).

Natera, Inc.
Classification: Uncertain significance for Ellis-van Creveld syndrome. Last evaluated: 2020-01-24. Review status: no assertion criteria provided. Collection method: clinical testing. Allele origin: germline. Not counted in ClinVar's aggregate classification.

NM_153717.3(EVC):c.1707G>C (p.Leu569=)

Gene: EVC (EvC ciliary complex subunit 1; plus strand). Cytogenetic location: 4p16.2.
Variant type: single nucleotide variant.
Coding change: c.1707G>C on transcript NM_153717.3 (MANE Select); coding-DNA position 1707, G replaced by C.
Protein change: p.Leu569=; no amino-acid change (leucine 569 retained).
Molecular consequence: synonymous variant.
Genome position (GRCh38, 1-based): chr4:5,783,695, G>C. VCF-style: chr4-5783695-G-C. GRCh37 (hg19) VCF-style: chr4-5785422-G-C.
Other names: c.1707G>C, p.Leu569= (NM_001306090.2).
Identifiers: ClinVar variation 774642 (VCV000774642.15), dbSNP rs575586341, ClinGen allele CA2836232.